The following is an entry in ClinVar:

NM_002291.3(LAMB1):c.3569T>C (p.Ile1190Thr)

Gene: LAMB1 (laminin subunit beta 1; minus strand). Cytogenetic location: 7q31.1.
Variant type: single nucleotide variant.
Coding change: c.3569T>C on transcript NM_002291.3 (MANE Select); coding-DNA position 3569, T replaced by C.
Protein change: p.Ile1190Thr; replaces isoleucine 1190 with threonine.
Molecular consequence: missense variant.
Genome position (GRCh38, 1-based): chr7:107,940,181, A>G on the plus strand (T>C on the coding strand, the complement: LAMB1 is on the minus strand). VCF-style: chr7-107940181-A-G. GRCh37 (hg19) VCF-style: chr7-107580626-A-G.
Other names: short protein forms I1190T.
Identifiers: ClinVar variation 1387600 (VCV001387600.6), dbSNP rs149362105, ClinGen allele CA4435278.

ClinVar aggregate classification (germline): Uncertain significance (1 of 4 stars; one submission).

Allele frequency attached by ClinVar (database versions not stated): ExAC 0.00001; gnomAD exomes 0.00001; ESP Exome Variant Server 0.00008.
gnomAD v4.1: 10 of 1,614,132 alleles (0.00062%); highest among the groups gnomAD compares: Non-Finnish European, 0.00085%; no homozygotes.

Submission:

Labcorp Genetics (formerly Invitae), Labcorp
Classification: Uncertain significance. Last evaluated: 2022-07-12. Review status: criteria provided, single submitter. Criteria: Invitae Variant Classification Sherloc (09022015). Collection method: clinical testing. Allele origin: germline.
Comment: In summary, the available evidence is currently insufficient to determine the role of this variant in disease. Therefore, it has been classified as a Variant of Uncertain Significance. Algorithms developed to predict the effect of missense changes on protein structure and function are either unavailable or do not agree on the potential impact of this missense change (SIFT: "Deleterious"; PolyPhen-2: "Benign"; Align-GVGD: "Class C25"). This sequence change replaces isoleucine, which is neutral and non-polar, with threonine, which is neutral and polar, at codon 1190 of the LAMB1 protein (p.Ile1190Thr). This variant is present in population databases (rs149362105, gnomAD 0.002%). This variant has not been reported in the literature in individuals affected with LAMB1-related conditions. ClinVar contains an entry for this variant (Variation ID: 1387600).